The following is an entry in ClinVar:

NM_052947.4(ALPK2):c.4465A>G (p.Thr1489Ala)

Genes: ALPK2 (alpha kinase 2; minus strand), LOC126862764 (BRD4-independent group 4 enhancer GRCh37_chr18:56202574-56203773; plus strand). Cytogenetic location: 18q21.31.
Variant type: single nucleotide variant.
Coding change: c.4465A>G on transcript NM_052947.4 (MANE Select); coding-DNA position 4465, A replaced by G.
Protein change: p.Thr1489Ala; replaces threonine 1489 with alanine.
Molecular consequence: missense variant.
Genome position (GRCh38, 1-based): chr18:58,535,722, T>C on the plus strand (A>G on the coding strand, the complement: ALPK2 is on the minus strand). VCF-style: chr18-58535722-T-C. GRCh37 (hg19) VCF-style: chr18-56202954-T-C.
Other names: short protein forms T1489A.
Identifiers: ClinVar variation 1740790 (VCV001740790.3), dbSNP rs1568077567, ClinGen allele CA402562321.
Genomic context (GRCh38, chr18:58,535,722, plus strand): 5'-TACATCCACTTGGAATTCTTTCACCGCCTTCGCTGGGTTGCAGGACTTGCCAAATGGCAG[T>C]TTTTGCCTCCTCAGGTTGAATTTGTTCAGCCTCCTGCTTCATACTGCCTTCTTGGCTTCT-3'
Protein context (NP_443179.3, residues 1479-1499): AEQIQPEEAK[Thr1489Ala]AIWQVLQPSE

ClinVar aggregate classification (germline): Uncertain significance (1 of 4 stars; one submission).

Allele frequency attached by ClinVar (database versions not stated): gnomAD exomes below 0.00001.
gnomAD v4.1: 1 of 1,614,228 alleles (0.000062%); highest among the groups gnomAD compares: East Asian, 0.0022%; no homozygotes.

Submission:

Ambry Genetics
Classification: Uncertain significance. Last evaluated: 2024-09-21. Review status: criteria provided, single submitter. Criteria: Ambry Variant Classification Scheme 2023. Collection method: clinical testing. Allele origin: germline.
Comment: The p.T1489A variant (also known as c.4465A>G), located in coding exon 4 of the ALPK2 gene, results from an A to G substitution at nucleotide position 4465. The threonine at codon 1489 is replaced by alanine, an amino acid with similar properties. This amino acid position is conserved. In addition, this alteration is predicted to be tolerated by in silico analysis. Since supporting evidence is limited at this time, the clinical significance of this alteration remains unclear.